The following is an entry in ClinVar:

NM_004397.6(DDX6):c.1034A>G (p.Gln345Arg)

Gene: DDX6 (DEAD-box helicase 6; minus strand). Cytogenetic location: 11q23.3.
Variant type: single nucleotide variant.
Coding change: c.1034A>G on transcript NM_004397.6 (MANE Select); coding-DNA position 1034, A replaced by G.
Protein change: p.Gln345Arg; replaces glutamine 345 with arginine.
Molecular consequence: missense variant.
Genome position (GRCh38, 1-based): chr11:118,757,247, T>C on the plus strand (A>G on the coding strand, the complement: DDX6 is on the minus strand). VCF-style: chr11-118757247-T-C. GRCh37 (hg19) VCF-style: chr11-118627956-T-C.
Other names: c.1031A>G, p.Gln344Arg (NM_001425148.1, NM_001425147.1); c.905A>G, p.Gln302Arg (NM_001425149.1, NM_001425150.1); c.887A>G, p.Gln296Arg (NM_001425151.1, NM_001425152.1); c.758A>G, p.Gln253Arg (NM_001425153.1); c.710A>G, p.Gln237Arg (NM_001425154.1); c.1034A>G, p.Gln345Arg (NM_001257191.3, NM_001425145.1, NM_001425146.1); short protein forms Q237R, Q253R, Q296R, Q302R, Q344R, Q345R.
Identifiers: ClinVar variation 3377218 (VCV003377218.1).

ClinVar aggregate classification (germline): Uncertain significance (1 of 4 stars; one submission).

Conditions:
Intellectual developmental disorder with impaired language and dysmorphic facies. Identifiers: MedGen C5231444, MONDO:0032851, OMIM 618653.

Submission:

Victorian Clinical Genetics Services, Murdoch Childrens Research Institute
Classification: Uncertain significance for Intellectual developmental disorder with impaired language and dysmorphic facies. Last evaluated: 2024-10-09. Review status: criteria provided, single submitter. Criteria: ACMG Guidelines, 2015. Collection method: clinical testing. Allele origin: germline. Inheritance: Autosomal dominant inheritance. Affected: yes.
Comment: Based on the classification scheme VCGS_Germline_v1.3.4, this variant is classified as VUS-3A. Following criteria are met: 0105 - The mechanism of disease for this gene is not clearly established. Dominant-negative has been suggested as a likely disease mechanism (PMID: 31422817). (I) 0107 - This gene is associated with autosomal dominant disease. (I) 0200 - Variant is predicted to result in a missense amino acid change from glutamine to arginine. (I) 0251 - This variant is heterozygous. (I) 0301 - Variant is absent from gnomAD (both v2 and v3). (SP) 0309 - An alternative amino acid change at the same position has been observed in gnomAD (v2) (2 heterozygotes, 0 homozygotes). (I) 0502 - Missense variant with conflicting in silico predictions and high conservation. (I) 0603 - Missense variant in a region that is highly intolerant to missense variation (high constraint region in gnomAD). (SP) 0705 - No comparable missense variants have previous evidence for pathogenicity. (I) 0807 - This variant has no previous evidence of pathogenicity. (I) 0905 - No published segregation evidence has been identified for this variant. (I) 1007 - No published functional evidence has been identified for this variant. (SP) Legend: (SP) - Supporting pathogenic, (I) - Information, (SB) - Supporting benign

Literature cited by the submitters: PubMed 31422817.